The following is an entry in ClinVar:

ClinVar aggregate classification (germline): Uncertain significance (1 of 4 stars; one submission).

Conditions:
Marfan syndrome (MFS). Also called: FBN1-Related Marfan Syndrome; MARFAN SYNDROME, TYPE I; Marfan syndrome type 1; Marfan's syndrome; Marfan syndrome, classic. Identifiers: Orphanet 284963, Orphanet 558, MedGen C0024796, MONDO:0007947, OMIM 154700.
Familial thoracic aortic aneurysm and aortic dissection (TAAD). Also called: Thoracic aortic aneurysms and dissections. Identifiers: Orphanet 91387, MedGen C4707243, MONDO:0019625.

gnomAD v4.1: 2 of 1,614,182 alleles (0.00012%); highest among the groups gnomAD compares: Non-Finnish European, 0.00017%; no homozygotes.

Submission:

Labcorp Genetics (formerly Invitae), Labcorp
Classification: Uncertain significance for Marfan syndrome; Familial thoracic aortic aneurysm and aortic dissection. Last evaluated: 2025-08-07. Review status: criteria provided, single submitter. Criteria: Invitae Variant Classification Sherloc (09022015). Collection method: clinical testing. Allele origin: germline.
Comment: This sequence change replaces asparagine, which is neutral and polar, with tyrosine, which is neutral and polar, at codon 1544 of the FBN1 protein (p.Asn1544Tyr). This variant is not present in population databases (gnomAD no frequency). This variant has not been reported in the literature in individuals affected with FBN1-related conditions. Invitae Evidence Modeling of protein sequence and biophysical properties (such as structural, functional, and spatial information, amino acid conservation, physicochemical variation, residue mobility, and thermodynamic stability) has been performed for this missense variant. However, the output from this modeling did not meet the statistical confidence thresholds required to predict the impact of this variant on FBN1 protein function. In summary, the available evidence is currently insufficient to determine the role of this variant in disease. Therefore, it has been classified as a Variant of Uncertain Significance.

NM_000138.5(FBN1):c.4630A>T (p.Asn1544Tyr)

Gene: FBN1 (fibrillin 1; minus strand). Cytogenetic location: 15q21.1.
Variant type: single nucleotide variant.
Coding change: c.4630A>T on transcript NM_000138.5 (MANE Select); coding-DNA position 4630, A replaced by T.
Protein change: p.Asn1544Tyr; replaces asparagine 1544 with tyrosine.
Molecular consequence: missense variant.
Genome position (GRCh38, 1-based): chr15:48,468,055, T>A on the plus strand (A>T on the coding strand, the complement: FBN1 is on the minus strand). VCF-style: chr15-48468055-T-A. GRCh37 (hg19) VCF-style: chr15-48760252-T-A.
Other names: c.4630A>T, p.Asn1544Tyr (NM_001406716.1); short protein forms N1544Y.
Identifiers: ClinVar variation 4790191 (VCV004790191.1).